The following is an entry in ClinVar:

ClinVar aggregate classification (germline): Likely pathogenic (1 of 4 stars; one submission).

Conditions:
Fanconi anemia (FA). Also called: Fanconi's anemia. Identifiers: Orphanet 84, MedGen C0015625, MeSH D005199, MONDO:0019391.

gnomAD v4.1: 2 of 1,614,208 alleles (0.00012%); highest among the groups gnomAD compares: Non-Finnish European, 0.00017%; no homozygotes.

Submission:

Labcorp Genetics (formerly Invitae), Labcorp
Classification: Likely pathogenic for Fanconi anemia. Last evaluated: 2022-08-16. Review status: criteria provided, single submitter. Criteria: Invitae Variant Classification Sherloc (09022015). Collection method: clinical testing. Allele origin: germline.
Comment: Algorithms developed to predict the effect of sequence changes on RNA splicing suggest that this variant may disrupt the consensus splice site. This sequence change affects a donor splice site in intron 10 of the FANCA gene. It is expected to disrupt RNA splicing. Variants that disrupt the donor or acceptor splice site typically lead to a loss of protein function (PMID: 16199547), and loss-of-function variants in FANCA are known to be pathogenic (PMID: 19367192). This variant is not present in population databases (gnomAD no frequency). This variant has not been reported in the literature in individuals affected with FANCA-related conditions. In summary, the currently available evidence indicates that the variant is pathogenic, but additional data are needed to prove that conclusively. Therefore, this variant has been classified as Likely Pathogenic.

Literature cited by the submitters: PubMed 16199547; PubMed 19367192.

NM_000135.4(FANCA):c.893+1G>C

Gene: FANCA (FA complementation group A; minus strand). Cytogenetic location: 16q24.3.
Variant type: single nucleotide variant.
Coding change: c.893+1G>C on transcript NM_000135.4 (MANE Select); the canonical splice donor site of the intron after coding-DNA position 893, G replaced by C.
Molecular consequence: splice donor variant.
Genome position (GRCh38, 1-based): chr16:89,799,165, C>G on the plus strand (G>C on the coding strand, the complement: FANCA is on the minus strand). VCF-style: chr16-89799165-C-G. GRCh37 (hg19) VCF-style: chr16-89865573-C-G.
Other names: c.893+1G>C (NM_001286167.3, NM_001018112.3); c.797+1G>C (NM_001351830.2).
Identifiers: ClinVar variation 1996114 (VCV001996114.4), dbSNP rs2040352832, ClinGen allele CA397472730.
Genomic context (GRCh38, chr16:89,799,165, plus strand): 5'-TCTTTAATTTGGCAGACACCTCCCTGCTGCACACTCAGGCAGGCCACCCTCAGGAACATA[C>G]CAGCACCTCACGATCTTGTGAGTGGAGGACTCCTCCTGTACTCCAGCAGCCAAAGCGTCA-3'